The following is an entry in ClinVar:

ClinVar aggregate classification (germline): Uncertain significance (1 of 4 stars; one submission).

Conditions:
ALMS1-related disorder. Also called: ALMS1-related condition.

Submission:

PreventionGenetics, part of Exact Sciences
Classification: Uncertain significance for ALMS1-related condition. Last evaluated: 2025-09-23. Review status: criteria provided, single submitter. Criteria: ACMG Guidelines, 2015. Collection method: clinical testing. Allele origin: germline.
Comment: The ALMS1 c.11437A>G variant is predicted to result in the amino acid substitution p.Asn3813Asp. To our knowledge, this variant has not been reported in the literature or in a large population database (gnomAD), indicating this variant is rare. At this time, the clinical significance of this variant is uncertain due to the absence of conclusive functional and genetic evidence.

NM_001378454.1(ALMS1):c.11434A>G (p.Ile3812Val)

Gene: ALMS1 (ALMS1 centrosome and basal body associated protein; plus strand). Cytogenetic location: 2p13.1.
Variant type: single nucleotide variant.
Coding change: c.11434A>G on transcript NM_001378454.1 (MANE Select); coding-DNA position 11434, A replaced by G.
Protein change: p.Ile3812Val; replaces isoleucine 3812 with valine.
Molecular consequence: missense variant.
Genome position (GRCh38, 1-based): chr2:73,573,311, A>G. VCF-style: chr2-73573311-A-G. GRCh37 (hg19) VCF-style: chr2-73800438-A-G.
Other names: c.11437A>G, p.Ile3813Val (NM_015120.4); short protein forms I3812V, I3813V.
Identifiers: ClinVar variation 4985223 (VCV004985223.1).